The following is an entry in ClinVar:

ClinVar aggregate classification (germline): Likely benign. Review status: criteria provided, multiple submitters, no conflicts (2 of 4 stars). 2 submissions from 2 submitters: Likely benign (2). Last evaluated 2018-06-14.

Allele frequency attached by ClinVar (database versions not stated): 1000 Genomes Project 0.00619; 1000 Genomes Project 30x 0.00656; TOPMed 0.01130; gnomAD 0.01255 and 0.01266; ExAC 0.01331; gnomAD exomes 0.01388 and 0.01708; ESP Exome Variant Server 0.01531.
gnomAD v4.1: 26,814 of 1,607,872 alleles (1.7%); highest among the groups gnomAD compares: Non-Finnish European, 1.9%; 286 homozygotes.

Submissions (2):

GeneDx
Classification: Likely benign. Last evaluated: 2018-06-14. Review status: criteria provided, single submitter. Criteria: GeneDx Variant Classification (06012015). Collection method: clinical testing. Allele origin: germline. Affected: yes.
Comment: This variant is considered likely benign or benign based on one or more of the following criteria: it is a conservative change, it occurs at a poorly conserved position in the protein, it is predicted to be benign by multiple in silico algorithms, and/or has population frequency not consistent with disease.

Breakthrough Genomics
Classification: Likely benign. Review status: criteria provided, single submitter. Criteria: ACMG Guidelines, 2015. Collection method: not provided. Allele origin: germline. Inheritance: Autosomal recessive inheritance. Affected: yes.

NM_003366.4(UQCRC2):c.767-50A>G

Genes: PDZD9 (PDZ domain containing 9), UQCRC2 (ubiquinol-cytochrome c reductase core protein 2). Cytogenetic location: 16p12.2.
Variant type: single nucleotide variant.
Coding change: c.767-50A>G on transcript NM_003366.4 (MANE Select); 50 bases into the intron before coding-DNA position 767, A replaced by G.
Molecular consequence: intron variant.
Genome position (GRCh38, 1-based): chr16:21,971,873, A>G. VCF-style: chr16-21971873-A-G. GRCh37 (hg19) VCF-style: chr16-21983194-A-G.
Identifiers: ClinVar variation 674891 (VCV000674891.2), dbSNP rs10521119, ClinGen allele CA7953857.
Genomic context (GRCh38, chr16:21,971,873, plus strand): 5'-GCTGCAGAAAAGACTCGTGGGTTAATACTGTGTTGTAGGAAATACTGGAGAATGAAACCA[A>G]TGGTGAACAAGCCATTTTCTTCTTCCCTCTATCCTTAATCTGGCCCCAGGTGAAATCCGA-3'